The following is an entry in ClinVar:

NM_000410.4(HFE):c.474A>G (p.Ala158=)

Gene: HFE (homeostatic iron regulator; plus strand). Cytogenetic location: 6p22.2.
Variant type: single nucleotide variant.
Coding change: c.474A>G on transcript NM_000410.4 (MANE Select); coding-DNA position 474, A replaced by G.
Protein change: p.Ala158=; no amino-acid change (alanine 158 retained).
Molecular consequence: synonymous variant. On other transcripts: intron variant (4).
Genome position (GRCh38, 1-based): chr6:26,091,447, A>G. VCF-style: chr6-26091447-A-G. GRCh37 (hg19) VCF-style: chr6-26091675-A-G.
Other names: c.474A>G, p.Ala158= (NM_001300749.3, NM_001384164.1, NM_001406751.1 and 1 more transcripts); c.210A>G, p.Ala70= (NM_001406752.1, NM_139007.3, NM_139008.3); c.405A>G, p.Ala135= (NM_139009.3); c.340+343A>G (NM_139004.3, NM_139003.3); c.77-1238A>G (NM_139010.3); c.77-1672A>G (NM_139011.3).
Identifiers: ClinVar variation 722461 (VCV000722461.16), dbSNP rs1581668131, ClinGen allele CA449420870.

ClinVar aggregate classification (germline): Likely benign. Review status: criteria provided, multiple submitters, no conflicts (2 of 4 stars). 3 submissions from 3 submitters: Likely benign (3). Last evaluated 2025-09-17.

Conditions:
Hereditary hemochromatosis (HFE). Identifiers: MedGen C0392514, MONDO:0006507. Disease mechanism: loss of function.

Submissions (3):

Labcorp Genetics (formerly Invitae), Labcorp
Classification: Likely benign for Hereditary hemochromatosis. Last evaluated: 2025-09-17. Review status: criteria provided, single submitter. Criteria: Invitae Variant Classification Sherloc (09022015). Collection method: clinical testing. Allele origin: germline.

CeGaT Center for Human Genetics Tuebingen
Classification: Likely benign. Last evaluated: 2025-09-01. Review status: criteria provided, single submitter. Criteria: CeGaT Center For Human Genetics Tuebingen Variant Classification Criteria Version 2. Collection method: clinical testing. Allele origin: germline. Affected: yes. Observed: 1 variant allele.
Comment: HFE: PM2:Supporting, BP4, BP7

Blueprint Genetics
Classification: Likely benign. Last evaluated: 2022-01-27. Review status: criteria provided, single submitter. Criteria: ACMG Guidelines, 2015. Collection method: clinical testing. Allele origin: germline.